The following is an entry in ClinVar:

NM_024675.4(PALB2):c.2732C>G (p.Thr911Ser)

Gene: PALB2 (partner and localizer of BRCA2; minus strand). Cytogenetic location: 16p12.2.
Variant type: single nucleotide variant.
Coding change: c.2732C>G on transcript NM_024675.4 (MANE Select); coding-DNA position 2732, C replaced by G.
Protein change: p.Thr911Ser; replaces threonine 911 with serine.
Molecular consequence: missense variant.
Genome position (GRCh38, 1-based): chr16:23,626,252, G>C on the plus strand (C>G on the coding strand, the complement: PALB2 is on the minus strand). VCF-style: chr16-23626252-G-C. GRCh37 (hg19) VCF-style: chr16-23637573-G-C.
Other names: short protein forms T911S.
Identifiers: ClinVar variation 920727 (VCV000920727.4), dbSNP rs180177123, ClinGen allele CA395121848.

ClinVar aggregate classification (germline): Uncertain significance. Review status: criteria provided, multiple submitters, no conflicts (2 of 4 stars). 3 submissions from 3 submitters: Uncertain significance (3). Last evaluated 2026-05-13.

Conditions:
Hereditary cancer-predisposing syndrome. Also called: Hereditary Cancer Syndrome; Neoplastic Syndromes, Hereditary; Tumor predisposition; Hereditary neoplastic syndrome. Identifiers: Orphanet 140162, MedGen C0027672, MeSH D009386, MONDO:0015356.
Familial cancer of breast. Also called: BREAST CANCER, FAMILIAL; Hereditary breast cancer; hereditary breast carcinoma. Identifiers: Orphanet 227535, MedGen C0346153, MONDO:0016419, OMIM 114480. Disease mechanism: loss of function.

Submissions (3):

Ambry Genetics
Classification: Uncertain significance for Hereditary cancer-predisposing syndrome. Last evaluated: 2026-05-13. Review status: criteria provided, single submitter. Criteria: Ambry Variant Classification Scheme 2023. Collection method: clinical testing. Allele origin: germline.
Comment: The p.T911S variant (also known as c.2732C>G), located in coding exon 7 of the PALB2 gene, results from a C to G substitution at nucleotide position 2732. The threonine at codon 911 is replaced by serine, an amino acid with similar properties. This amino acid position is poorly conserved in available vertebrate species. In addition, this alteration is predicted to be tolerated by in silico analysis. Based on the available evidence, the clinical significance of this variant remains unclear.

Labcorp Genetics (formerly Invitae), Labcorp
Classification: Uncertain significance for Familial cancer of breast. Last evaluated: 2025-03-09. Review status: criteria provided, single submitter. Criteria: Invitae Variant Classification Sherloc (09022015). Collection method: clinical testing. Allele origin: germline.
Comment: This sequence change replaces threonine, which is neutral and polar, with serine, which is neutral and polar, at codon 911 of the PALB2 protein (p.Thr911Ser). This variant is not present in population databases (gnomAD no frequency). This variant has not been reported in the literature in individuals affected with PALB2-related conditions. ClinVar contains an entry for this variant (Variation ID: 920727). Invitae Evidence Modeling of protein sequence and biophysical properties (such as structural, functional, and spatial information, amino acid conservation, physicochemical variation, residue mobility, and thermodynamic stability) indicates that this missense variant is not expected to disrupt PALB2 protein function with a negative predictive value of 80%. In summary, the available evidence is currently insufficient to determine the role of this variant in disease. Therefore, it has been classified as a Variant of Uncertain Significance.

Color Diagnostics, LLC DBA Color Health
Classification: Uncertain significance for Hereditary cancer-predisposing syndrome. Last evaluated: 2018-11-13. Review status: criteria provided, single submitter. Criteria: ACMG Guidelines, 2015. Collection method: clinical testing. Allele origin: germline.